The following is an entry in ClinVar:

NM_001162498.3(LPAR6):c.330T>C (p.Ile110=)

Genes: LPAR6 (lysophosphatidic acid receptor 6; minus strand), RB1 (RB transcriptional corepressor 1; plus strand). Cytogenetic location: 13q14.2.
Variant type: single nucleotide variant.
Coding change: c.330T>C on transcript NM_001162498.3 (MANE Select); coding-DNA position 330, T replaced by C.
Protein change: p.Ile110=; no amino-acid change (isoleucine 110 retained).
Molecular consequence: synonymous variant. On other transcripts: intron variant (2).
Genome position (GRCh38, 1-based): chr13:48,412,094, A>G on the plus strand (T>C on the coding strand, the complement: LPAR6 is on the minus strand). VCF-style: chr13-48412094-A-G. GRCh37 (hg19) VCF-style: chr13-48986230-A-G.
Other names: c.330T>C, p.Ile110= (NM_001162497.3, NM_001377316.2, NM_001377317.2 and 1 more transcripts); c.1695+30651A>G (NM_001407165.1, NM_000321.3).
Identifiers: ClinVar variation 5040736 (VCV005040736.1).
Genomic context (GRCh38, chr13:48,412,094, plus strand): 5'-TTTGGTTCTTAGAGTCTTTGACTTAAATGGGTAGACAATTGCCAGAAATCGATCTACACT[A>G]ATACAGGTTAAGAACAGAATGCTTCCGTACATGTTGGTATAAAACAGCATCACAGAAATC-3'
Protein context (NP_001155970.1, residues 100-120): MYGSILFLTC[Ile110=]SVDRFLAIVY

ClinVar aggregate classification (germline): Likely benign (1 of 4 stars; one submission).

Submission:

CeGaT Center for Human Genetics Tuebingen
Classification: Likely benign. Last evaluated: 2026-08-01. Review status: criteria provided, single submitter. Criteria: CeGaT Center For Human Genetics Tuebingen Variant Classification Criteria Version 2. Collection method: clinical testing. Allele origin: germline. Affected: yes. Observed: 1 variant allele.
Comment: LPAR6: PM2:Supporting, BP4, BP7